The following is an entry in ClinVar:

NM_194248.3(OTOF):c.2826_2839del (p.Gly943fs)

Gene: OTOF (otoferlin; minus strand). Cytogenetic location: 2p23.3.
Variant type: Deletion.
Coding change: c.2826_2839del on transcript NM_194248.3 (MANE Select); coding-DNA positions 2826 to 2839, 14 bases deleted (GGGCCTGCATGCCT).
Protein change: p.Gly943fs; shifts the reading frame from glycine 943.
Molecular consequence: frameshift variant.
Genome position (GRCh38, 1-based): chr2:26,476,155-26,476,168, AGGCATGCAGGCCC deleted on the plus strand (GGGCCTGCATGCCT on the coding strand, the reverse complement: OTOF is on the minus strand); deleting any 14 consecutive bases within chr2:26,476,155-26,476,172 gives the same sequence; the c. name uses the placement nearest the transcript's 3' end. VCF-style (leftmost placement, unchanged base first): chr2-26476154-AAGGCATGCAGGCCC-A. GRCh37 (hg19) VCF-style: chr2-26699022-AAGGCATGCAGGCCC-A.
Other names: c.2826_2839del, p.Gly943fs (NM_001287489.2); c.585_598del, p.Gly196fs (NM_004802.4, NM_194323.3); c.756_769del, p.Gly253fs (NM_194322.3); short protein forms G196fs, G253fs, G943fs.
Identifiers: ClinVar variation 3601515 (VCV003601515.1).

ClinVar aggregate classification (germline): Likely pathogenic (1 of 4 stars; one submission).

Conditions:
Autosomal recessive nonsyndromic hearing loss 9. Also called: NEUROSENSORY NONSYNDROMIC RECESSIVE DEAFNESS 9; OTOF-Related Hearing Loss; Deafness, autosomal recessive 9; AUDITORY NEUROPATHY, AUTOSOMAL RECESSIVE, 1, TEMPERATURE-SENSITIVE. Identifiers: Orphanet 90636, MedGen C1832828, MONDO:0010986, OMIM 601071.

Submission:

Institute of Rare Diseases, West China Hospital, Sichuan University
Classification: Likely pathogenic for Autosomal recessive nonsyndromic hearing loss 9. Last evaluated: 2025-01-09. Review status: criteria provided, single submitter. Criteria: ClinGen HL ACMG Specifications v1. Collection method: research. Allele origin: germline. Affected: yes.
Comment: PVS1;PM2_Supporting